The following is an entry in ClinVar:

ClinVar aggregate classification (germline): Uncertain significance. Review status: criteria provided, multiple submitters, no conflicts (2 of 4 stars). 3 submissions from 3 submitters: Uncertain significance (3). Last evaluated 2025-04-30.

Conditions:
Fanconi anemia complementation group J. Also called: BRIP1-Related Fanconi Anemia. Identifiers: Orphanet 84, MedGen C1836860, MONDO:0012187, OMIM 609054.
Familial cancer of breast. Also called: Hereditary breast cancer; hereditary breast carcinoma; BREAST CANCER, FAMILIAL. Identifiers: Orphanet 227535, MedGen C0346153, MONDO:0016419, OMIM 114480. Disease mechanism: loss of function.
Hereditary cancer-predisposing syndrome. Also called: Hereditary Cancer Syndrome; Neoplastic Syndromes, Hereditary; Tumor predisposition; Hereditary neoplastic syndrome. Identifiers: Orphanet 140162, MedGen C0027672, MeSH D009386, MONDO:0015356.

Submissions (3):

Ambry Genetics
Classification: Uncertain significance for Hereditary cancer-predisposing syndrome. Last evaluated: 2025-04-30. Review status: criteria provided, single submitter. Criteria: Ambry Variant Classification Scheme 2023. Collection method: clinical testing. Allele origin: germline.
Comment: The c.3411_3420del10 variant, located in coding exon 19 of the BRIP1 gene, results from a deletion of 10 nucleotides at nucleotide positions 3411 to 3420, causing a translational frameshift with a predicted alternate stop codon (p.Y1137*). This alteration occurs at the 3' terminus of BRIP1 gene, is not expected to trigger nonsense-mediated mRNA decay, and only impacts the last 112 amino acids of the protein. The exact functional impact of these removed amino acids is unknown. While the C-terminal region of the BRIP1 protein has been shown by structural, biochemical, and mutational analysis to be relevant for some aspects of BRIP1 protein function (Gong Z et al. Mol. Cell, 2010 Feb;37:438-46; Leung CC et al. J. Biol. Chem. 2011 Feb; 286(6):4292-301; Xie J et al. PLoS Genet. 2012 Jul; 8(7):e1002786), functional studies have shown that truncations in the 3' terminus of BRIP1 display normal function in response to intra-strand cross-linking agents (Calvo JA et al. Mol Cancer Res, 2021 Jun;19:1015-1025). In addition, 3' truncations in BRIP1 occurring upstream of this variant have been detected in the homozygous or compound heterozygous state in individuals with no reported features of BRIP1-related Fanconi Anemia (FA-J) (Ambry internal data). Based on the available evidence, the clinical significance of this variant remains unclear.

Labcorp Genetics (formerly Invitae), Labcorp
Classification: Uncertain significance for Familial cancer of breast; Fanconi anemia complementation group J. Last evaluated: 2022-04-03. Review status: criteria provided, single submitter. Criteria: Invitae Variant Classification Sherloc (09022015). Collection method: clinical testing. Allele origin: germline.
Comment: This sequence change creates a premature translational stop signal (p.Tyr1137*) in the BRIP1 gene. While this is not anticipated to result in nonsense mediated decay, it is expected to disrupt the last 113 amino acid(s) of the BRIP1 protein. This variant is not present in population databases (gnomAD no frequency). This variant has not been reported in the literature in individuals affected with BRIP1-related conditions. ClinVar contains an entry for this variant (Variation ID: 232964). Experimental studies and prediction algorithms are not available or were not evaluated, and the functional significance of this variant is currently unknown. In summary, the available evidence is currently insufficient to determine the role of this variant in disease. Therefore, it has been classified as a Variant of Uncertain Significance.

Women's Health and Genetics/Laboratory Corporation of America, LabCorp
Classification: Uncertain significance. Last evaluated: 2020-03-06. Review status: criteria provided, single submitter. Criteria: LabCorp Variant Classification Summary - May 2015. Collection method: clinical testing. Allele origin: germline.
Comment: Variant summary: BRIP1 c.3411_3420del10 (p.Tyr1137X) results in a premature termination codon, predicted to cause a truncation of the encoded protein but not expected to result in nonsense mediated decay. The variant was absent in 249576 control chromosomes (gnomAD). To our knowledge, no occurrence of c.3411_3420del10 in individuals affected with Breast Cancer and no experimental evidence demonstrating its impact on protein function have been reported. The variant resides in a region that has been shown to affect binding of TopBP1 a protein that plays an important role in the control of DNA replication checkpoint (PMID: 20159562). However, functional significance of this interaction is limited. One ClinVar submitter (evaluation after 2014) cite the variant as likely pathogenic. Based on the evidence outlined above, the variant was classified as VUS- possibly pathogenic until additional clinical and functional evidence is obtained.

Literature cited by the submitters: PubMed 20068231 (cited by Ambry Genetics); PubMed 22792074 (cited by Ambry Genetics); PubMed 20159562 (cited by Women's Health and Genetics/Laboratory Corporation of America, LabCorp).

NM_032043.3(BRIP1):c.3411_3420del (p.Leu1136_Tyr1137insTer)

Gene: BRIP1 (BRCA1 interacting DNA helicase 1; minus strand). Cytogenetic location: 17q23.2.
Variant type: Deletion.
Coding change: c.3411_3420del on transcript NM_032043.3 (MANE Select); coding-DNA positions 3411 to 3420, 10 bases deleted (TGATCCTGAA; older notation c.3411_3420delTGATCCTGAA).
Protein change: p.Leu1136_Tyr1137insTer.
Molecular consequence: nonsense.
Genome position (GRCh38, 1-based): chr17:61,683,626-61,683,635, TTCAGGATCA deleted on the plus strand (TGATCCTGAA on the coding strand, the reverse complement: BRIP1 is on the minus strand); deleting any 10 consecutive bases within chr17:61,683,626-61,683,636 gives the same sequence; the c. name uses the placement nearest the transcript's 3' end. VCF-style (leftmost placement, unchanged base first): chr17-61683625-CTTCAGGATCA-C. GRCh37 (hg19) VCF-style: chr17-59760986-CTTCAGGATCA-C.
Other names: c.3411_3420del10 (NM_032043.2).
Identifiers: ClinVar variation 232964 (VCV000232964.14), dbSNP rs876660100, ClinGen allele CA10580774.